The following is an entry in ClinVar:

ClinVar aggregate classification (germline): Uncertain significance (1 of 4 stars; one submission).

Submission:

Women's Health and Genetics/Laboratory Corporation of America, LabCorp
Classification: Uncertain significance. Last evaluated: 2024-07-09. Review status: criteria provided, single submitter. Criteria: LabCorp Variant Classification Summary - May 2015. Collection method: clinical testing. Allele origin: germline.
Comment: Variant summary: RNASEH2C c.428A>G (p.Lys143Arg) results in a conservative amino acid change in the encoded protein sequence. Five of five in-silico tools predict a benign effect of the variant on protein function. The variant allele was found at a frequency of 8e-06 in 251362 control chromosomes. The available data on variant occurrences in the general population are insufficient to allow any conclusion about variant significance. To our knowledge, no occurrence of c.428A>G in individuals affected with Aicardi Goutieres Syndrome and no experimental evidence demonstrating its impact on protein function have been reported. No submitters have cited clinical-significance assessments for this variant to ClinVar. Based on the evidence outlined above, the variant was classified as uncertain significance.

NM_032193.4(RNASEH2C):c.428A>G (p.Lys143Arg)

Gene: RNASEH2C (ribonuclease H2 subunit C; minus strand). Cytogenetic location: 11q13.1.
Variant type: single nucleotide variant.
Coding change: c.428A>G on transcript NM_032193.4 (MANE Select); coding-DNA position 428, A replaced by G.
Protein change: p.Lys143Arg; replaces lysine 143 with arginine.
Molecular consequence: missense variant.
Genome position (GRCh38, 1-based): chr11:65,720,085, T>C on the plus strand (A>G on the coding strand, the complement: RNASEH2C is on the minus strand). VCF-style: chr11-65720085-T-C. GRCh37 (hg19) VCF-style: chr11-65487556-T-C.
Other names: short protein forms K143R.
Identifiers: ClinVar variation 3339026 (VCV003339026.1).